The following is an entry in ClinVar:

NM_014159.7(SETD2):c.6325C>T (p.Arg2109Ter)

Gene: SETD2 (SET domain containing 2, histone lysine methyltransferase; minus strand). Cytogenetic location: 3p21.31.
Variant type: single nucleotide variant.
Coding change: c.6325C>T on transcript NM_014159.7 (MANE Select); coding-DNA position 6325, C replaced by T.
Protein change: p.Arg2109Ter; replaces arginine 2109 with a stop codon.
Molecular consequence: nonsense. On other transcripts: non-coding transcript variant (1).
Genome position (GRCh38, 1-based): chr3:47,057,459, G>A on the plus strand (C>T on the coding strand, the complement: SETD2 is on the minus strand). VCF-style: chr3-47057459-G-A. GRCh37 (hg19) VCF-style: chr3-47098949-G-A.
Other names: c.6193C>T, p.Arg2065Ter (NM_001349370.3); short protein forms R2065*, R2109*.
Identifiers: ClinVar variation 2446610 (VCV002446610.1), dbSNP rs2107578153, ClinGen allele CA352521731.

ClinVar aggregate classification (germline): Pathogenic (1 of 4 stars; one submission).

Submission:

GeneDx
Classification: Pathogenic. Last evaluated: 2023-04-01. Review status: criteria provided, single submitter. Criteria: GeneDx Variant Classification Process June 2021. Collection method: clinical testing. Allele origin: germline. Affected: yes.
Comment: Nonsense variant predicted to result in protein truncation or nonsense mediated decay in a gene for which loss of function is a known mechanism of disease; Not observed at significant frequency in large population cohorts (gnomAD); Has not been previously published as pathogenic or benign to our knowledge